The following is an entry in ClinVar:

ClinVar aggregate classification (germline): Uncertain significance (1 of 4 stars; one submission).

Conditions:
Autoimmune lymphoproliferative syndrome type 1. Also called: AUTOIMMUNE LYMPHOPROLIFERATIVE SYNDROME, TYPE I, AUTOSOMAL DOMINANT. Identifiers: Orphanet 3261, MedGen C2717884, MONDO:0011158, OMIM 601859.

Submission:

Labcorp Genetics (formerly Invitae), Labcorp
Classification: Uncertain significance for Autoimmune lymphoproliferative syndrome. Last evaluated: 2022-11-22. Review status: criteria provided, single submitter. Criteria: Invitae Variant Classification Sherloc (09022015). Collection method: clinical testing. Allele origin: germline.
Comment: The frequency data for this variant in the population databases is considered unreliable, as metrics indicate poor data quality at this position in the gnomAD database. In summary, the available evidence is currently insufficient to determine the role of this variant in disease. Therefore, it has been classified as a Variant of Uncertain Significance. Algorithms developed to predict the effect of missense changes on protein structure and function output the following: SIFT: "Not Available"; PolyPhen-2: "Benign"; Align-GVGD: "Not Available". The isoleucine amino acid residue is found in multiple mammalian species, which suggests that this missense change does not adversely affect protein function. ClinVar contains an entry for this variant (Variation ID: 844948). This variant has not been reported in the literature in individuals affected with FAS-related conditions. This sequence change replaces threonine, which is neutral and polar, with isoleucine, which is neutral and non-polar, at codon 214 of the FAS protein (p.Thr214Ile).

NM_000043.6(FAS):c.641_642delinsTC (p.Thr214Ile)

Gene: FAS (Fas cell surface death receptor; plus strand). Cytogenetic location: 10q23.31.
Variant type: Indel.
Coding change: c.641_642delinsTC on transcript NM_000043.6 (MANE Select); coding-DNA positions 641 to 642, CT replaced by TC.
Protein change: p.Thr214Ile; replaces threonine 214 with isoleucine.
Molecular consequence: missense variant. On other transcripts: non-coding transcript variant (6), intron variant (1).
Genome position (GRCh38, 1-based): chr10:89,012,071-89,012,072, CT replaced by TC. VCF-style: chr10-89012071-CT-TC. GRCh37 (hg19) VCF-style: chr10-90771828-CT-TC.
Other names: c.578_579delinsTC, p.Thr193Ile (NM_152871.4); c.641_642delinsTC, p.Thr214Ile (NM_152872.4); c.568+1256_568+1257delinsTC (NM_001320619.2); short protein forms T193I, T214I.
Identifiers: ClinVar variation 844948 (VCV000844948.9), dbSNP rs1848560803, ClinGen allele CA916080419.
Genomic context (GRCh38, chr10:89,012,071, plus strand): 5'-AAGTACAGAAAACATGCAGAAAGCACAGAAAGGAAAACCAAGGTTCTCATGAATCTCCAA[CT>TC]TTAAATCCTGTAGGTATTGAAATAGGTATCAGCTTTCCTTGAAAAGAAAAATAGAGAAAT-3'
Protein context (NP_000034.1, residues 204-224): KENQGSHESP[Thr214Ile]LNPETVAINL